The following is an entry in ClinVar:

ClinVar aggregate classification (germline): Uncertain significance. Review status: criteria provided, multiple submitters, no conflicts (2 of 4 stars). 2 submissions from 2 submitters: Uncertain significance (2). Last evaluated 2025-03-24.

Allele frequency attached by ClinVar (database versions not stated): ExAC 0.00001; gnomAD 0.00001.
gnomAD v4.1: 39 of 1,614,064 alleles (0.0024%); highest among the groups gnomAD compares: Non-Finnish European, 0.003%; no homozygotes.

Submissions (2):

GeneDx
Classification: Uncertain significance. Last evaluated: 2025-03-24. Review status: criteria provided, single submitter. Criteria: GeneDx Variant Classification Process June 2021. Collection method: clinical testing. Allele origin: germline. Affected: yes.
Comment: Not observed at significant frequency in large population cohorts (gnomAD); In silico analysis indicates that this missense variant does not alter protein structure/function; Has not been previously published as pathogenic or benign to our knowledge

Blueprint Genetics
Classification: Uncertain significance. Last evaluated: 2018-01-30. Review status: criteria provided, single submitter. Criteria: ACMG Guidelines, 2015. Collection method: clinical testing. Allele origin: germline.

NM_001384732.1(CPLANE1):c.6607C>G (p.Pro2203Ala)

Gene: CPLANE1 (ciliogenesis and planar polarity effector complex subunit 1; minus strand). Cytogenetic location: 5p13.2.
Variant type: single nucleotide variant.
Coding change: c.6607C>G on transcript NM_001384732.1 (MANE Select); coding-DNA position 6607, C replaced by G.
Protein change: p.Pro2203Ala; replaces proline 2203 with alanine.
Molecular consequence: missense variant.
Genome position (GRCh38, 1-based): chr5:37,169,417, G>C on the plus strand (C>G on the coding strand, the complement: CPLANE1 is on the minus strand). VCF-style: chr5-37169417-G-C. GRCh37 (hg19) VCF-style: chr5-37169519-G-C.
Other names: c.6607C>G, p.Pro2203Ala (NM_023073.4); short protein forms P2203A.
Identifiers: ClinVar variation 1304255 (VCV001304255.4), dbSNP rs773750881, ClinGen allele CA3238211.